The following is an entry in ClinVar:

ClinVar aggregate classification (germline): Uncertain significance. Review status: criteria provided, multiple submitters, no conflicts (2 of 4 stars). 2 submissions from 2 submitters: Uncertain significance (2). Last evaluated 2022-05-18.

Conditions:
Early-infantile DEE. Also called: Ohtahara syndrome; Early infantile epileptic encephalopathy with suppression bursts; Early infantile epileptic encephalopathy. Identifiers: Orphanet 1934, MedGen C0393706, MONDO:0800491.

Submissions (2):

GeneDx
Classification: Uncertain significance. Last evaluated: 2022-05-18. Review status: criteria provided, single submitter. Criteria: GeneDx Variant Classification Process June 2021. Collection method: clinical testing. Allele origin: germline. Affected: yes.
Comment: Not observed at significant frequency in large population cohorts (gnomAD); In silico analysis supports that this missense variant has a deleterious effect on protein structure/function; Missense variants in this gene are often considered pathogenic (HGMD); This substitution is predicted to be within the intracellular loop between the S4 and S5 transmembrane segments of the second homologous domain; Has not been previously published as pathogenic or benign to our knowledge; This variant is associated with the following publications: (PMID: 24077912)

Labcorp Genetics (formerly Invitae), Labcorp
Classification: Uncertain significance for Early-infantile DEE. Last evaluated: 2022-03-23. Review status: criteria provided, single submitter. Criteria: Invitae Variant Classification Sherloc (09022015). Collection method: clinical testing. Allele origin: germline.
Comment: This sequence change replaces tryptophan, which is neutral and slightly polar, with glycine, which is neutral and non-polar, at codon 858 of the SCN8A protein (p.Trp858Gly). This variant is not present in population databases (gnomAD no frequency). In summary, the available evidence is currently insufficient to determine the role of this variant in disease. Therefore, it has been classified as a Variant of Uncertain Significance. Algorithms developed to predict the effect of missense changes on protein structure and function are either unavailable or do not agree on the potential impact of this missense change (SIFT: "Deleterious"; PolyPhen-2: "Probably Damaging"; Align-GVGD: "Class C0"). This variant has not been reported in the literature in individuals affected with SCN8A-related conditions.

NM_001330260.2(SCN8A):c.2572T>G (p.Trp858Gly)

Gene: SCN8A (sodium voltage-gated channel alpha subunit 8; plus strand). Cytogenetic location: 12q13.13.
Variant type: single nucleotide variant.
Coding change: c.2572T>G on transcript NM_001330260.2 (MANE Select); coding-DNA position 2572, T replaced by G.
Protein change: p.Trp858Gly; replaces tryptophan 858 with glycine.
Molecular consequence: missense variant.
Genome position (GRCh38, 1-based): chr12:51,765,698, T>G. VCF-style: chr12-51765698-T-G. GRCh37 (hg19) VCF-style: chr12-52159482-T-G.
Other names: c.2572T>G, p.Trp858Gly (NM_001177984.3, NM_001369788.1, NM_014191.4); short protein forms W858G.
Identifiers: ClinVar variation 1800623 (VCV001800623.6), dbSNP rs2540260123, ClinGen allele CA384886763.